The following is an entry in ClinVar:

ClinVar aggregate classification (germline): Conflicting classifications of pathogenicity. Review status: criteria provided, conflicting classifications (1 of 4 stars). 6 submissions from 6 submitters: Likely pathogenic (1); Uncertain significance (4). 1 of the submissions does not count toward it. Last evaluated 2023-10-16.

Conditions:
CFTR-related disorder (CFTR-RD). Also called: CFTR-related disorders; CFTR-related condition. Identifiers: MedGen C5924204, MONDO:7770004.
Congenital bilateral aplasia of vas deferens from CFTR mutation (CBAVD). Identifiers: Orphanet 48, MedGen C0403814, MONDO:0010178, OMIM 277180. Disease mechanism: loss of function.
Cystic fibrosis (CF). Also called: MUCOVISCIDOSIS. Identifiers: Orphanet 586, MedGen C0010674, MONDO:0009061, OMIM 219700. Disease mechanism: loss of function.

Allele frequency attached by ClinVar (database versions not stated): gnomAD exomes below 0.00001; TOPMed 0.00001.
gnomAD v4.1: 1 of 1,614,030 alleles (0.000062%); highest among the groups gnomAD compares: East Asian, 0.0022%; no homozygotes.

Submissions (6):

Women's Health and Genetics/Laboratory Corporation of America, LabCorp
Classification: Uncertain significance. Last evaluated: 2023-10-16. Review status: criteria provided, single submitter. Criteria: LabCorp Variant Classification Summary - May 2015. Collection method: clinical testing. Allele origin: germline.
Comment: Variant summary: CFTR c.592G>C (p.Ala198Pro) results in a non-conservative amino acid change in the encoded protein sequence. Five of five in-silico tools predict a damaging effect of the variant on protein function. The variant allele was found at a frequency of 4e-06 in 251444 control chromosomes (gnomAD). The available data on variant occurrences in the general population are insufficient to allow any conclusion about variant significance. c.592G>C has been reported in the literature in individuals affected with Congenital Absence Of The Vas Deferens without strong evidence of causality (e.g. Ooi_2014, Yang_2015, Fang_2022, Wilschanski_2006, Luo_2021, Yang_2018). These reports do not provide unequivocal conclusions about association of the variant with Congenital Bilateral Absence Of The Vas Deferens. To our knowledge, no experimental evidence demonstrating an impact on protein function has been reported. The following publications have been ascertained in the context of this evaluation (PMID: 22504961, 26277102, 36437957, 16840743, 32777524, 30450785). Four submitters have cited clinical-significance assessments for this variant to ClinVar after 2014. All submitters classified the variant as uncertain significance. Based on the evidence outlined above, the variant was classified as uncertain significance.

Labcorp Genetics (formerly Invitae), Labcorp
Classification: Uncertain significance for Cystic fibrosis. Last evaluated: 2023-09-10. Review status: criteria provided, single submitter. Criteria: Invitae Variant Classification Sherloc (09022015). Collection method: clinical testing. Allele origin: germline.
Comment: ClinVar contains an entry for this variant (Variation ID: 54017). Advanced modeling of protein sequence and biophysical properties (such as structural, functional, and spatial information, amino acid conservation, physicochemical variation, residue mobility, and thermodynamic stability) performed at Invitae indicates that this missense variant is expected to disrupt CFTR protein function. In summary, the available evidence is currently insufficient to determine the role of this variant in disease. Therefore, it has been classified as a Variant of Uncertain Significance. This missense change has been observed in individual(s) with congenital bilateral absence of the vas deferens (PMID: 16840743, 25898554, 30450785). This sequence change replaces alanine, which is neutral and non-polar, with proline, which is neutral and non-polar, at codon 198 of the CFTR protein (p.Ala198Pro). This variant is present in population databases (rs193922529, gnomAD 0.01%).

Genome-Nilou Lab
Classification: Uncertain significance for Cystic fibrosis. Last evaluated: 2021-09-05. Review status: criteria provided, single submitter. Criteria: ACMG Guidelines, 2015. Collection method: clinical testing. Allele origin: germline. Affected: no.

Eurofins Ntd Llc (ga)
Classification: Uncertain significance. Last evaluated: 2016-03-14. Review status: criteria provided, single submitter. Criteria: EGL Classification Definitions 2015. Collection method: clinical testing. Allele origin: germline. Observed: 1 variant allele.

Juno Genomics, Hangzhou Juno Genomics, Inc
Classification: Likely pathogenic for Congenital bilateral aplasia of vas deferens from CFTR mutation. Review status: criteria provided, single submitter. Criteria: ACMG Guidelines, 2015. Collection method: clinical testing. Allele origin: germline. Affected: yes.
Comment: Absent from controls (or at extremely low frequency if recessive) in Genome Aggregation Database, Exome Sequencing Project, 1000 Genomes Project, or Exome Aggregation Consortium.;Multiple lines of computational evidence support a deleterious effect on the gene or gene product (conservation, evolutionary, splicing impact, etc).;For recessive disorders, detected in trans with a pathogenic variant.;Co-segregation with disease in multiple affected family members in a gene definitively known to cause the disease.;Patient's phenotype or family history is highly specific for a disease with a single genetic etiology.

Natera, Inc.
Classification: Uncertain significance for CFTR-related disorders. Last evaluated: 2018-10-18. Review status: no assertion criteria provided. Collection method: clinical testing. Allele origin: germline. Not counted in ClinVar's aggregate classification.

Literature cited by the submitters: PubMed 16840743 (cited by Women's Health and Genetics/Laboratory Corporation of America, LabCorp and Labcorp Genetics (formerly Invitae), Labcorp); PubMed 22504961 (cited by Women's Health and Genetics/Laboratory Corporation of America, LabCorp); PubMed 26277102 (cited by Women's Health and Genetics/Laboratory Corporation of America, LabCorp); PubMed 32777524 (cited by Women's Health and Genetics/Laboratory Corporation of America, LabCorp); PubMed 36437957 (cited by Women's Health and Genetics/Laboratory Corporation of America, LabCorp); PubMed 30450785 (cited by Women's Health and Genetics/Laboratory Corporation of America, LabCorp and Labcorp Genetics (formerly Invitae), Labcorp); PubMed 25898554 (cited by Labcorp Genetics (formerly Invitae), Labcorp).

NM_000492.4(CFTR):c.592G>C (p.Ala198Pro)

Gene: CFTR (CF transmembrane conductance regulator; plus strand). Cytogenetic location: 7q31.2.
Variant type: single nucleotide variant.
Coding change: c.592G>C on transcript NM_000492.4 (MANE Select); coding-DNA position 592, G replaced by C.
Protein change: p.Ala198Pro; replaces alanine 198 with proline.
Molecular consequence: missense variant.
Genome position (GRCh38, 1-based): chr7:117,535,260, G>C. VCF-style: chr7-117535260-G-C. GRCh37 (hg19) VCF-style: chr7-117175314-G-C.
Other names: short protein forms A198P.
Identifiers: ClinVar variation 54017 (VCV000054017.15), dbSNP rs193922529, ClinGen allele CA327587.